The following is an entry in ClinVar:

NM_001201543.2(FAM161A):c.1688C>G (p.Ala563Gly)

Gene: FAM161A (FAM161 centrosomal protein A; minus strand). Cytogenetic location: 2p15.
Variant type: single nucleotide variant.
Coding change: c.1688C>G on transcript NM_001201543.2 (MANE Select); coding-DNA position 1688, C replaced by G.
Protein change: p.Ala563Gly; replaces alanine 563 with glycine.
Molecular consequence: missense variant. On other transcripts: intron variant (1).
Genome position (GRCh38, 1-based): chr2:61,838,601, G>C on the plus strand (C>G on the coding strand, the complement: FAM161A is on the minus strand). VCF-style: chr2-61838601-G-C. GRCh37 (hg19) VCF-style: chr2-62065736-G-C.
Other names: c.1583+820C>G (NM_032180.3); short protein forms A563G.
Identifiers: ClinVar variation 1010071 (VCV001010071.9), dbSNP rs1672859918, ClinGen allele CA346985989.
Genomic context (GRCh38, chr2:61,838,601, plus strand): 5'-AGACATTTTACTCTGGATTTAGATATTTGAGCTAAACTTTGATGTGAGTCATAAGCCTTA[G>C]CCCGGGTTGTCAGGAGTTTCTGCAATTCTTTCATTCTTTGCTTCTGTTTAGTTAGGATCC-3'
Protein context (NP_001188472.1, residues 553-573): KELQKLLTTR[Ala563Gly]KAYDSHQSLA

ClinVar aggregate classification (germline): Uncertain significance. Review status: criteria provided, single submitter (1 of 4 stars). 2 submissions from 2 submitters: Uncertain significance (1). 1 of the submissions does not count toward it. Last evaluated 2025-01-06.

Conditions:
Retinitis pigmentosa 28 (RP28). Identifiers: Orphanet 791, MedGen C1419614, MONDO:0011630, OMIM 606068.

Allele frequency attached by ClinVar (database versions not stated): TOPMed below 0.00001.

Submissions (2):

Labcorp Genetics (formerly Invitae), Labcorp
Classification: Uncertain significance. Last evaluated: 2025-01-06. Review status: criteria provided, single submitter. Criteria: Invitae Variant Classification Sherloc (09022015). Collection method: clinical testing. Allele origin: germline.
Comment: This sequence change replaces alanine, which is neutral and non-polar, with glycine, which is neutral and non-polar, at codon 563 of the FAM161A protein (p.Ala563Gly). This variant is not present in population databases (gnomAD no frequency). This variant has not been reported in the literature in individuals affected with FAM161A-related conditions. ClinVar contains an entry for this variant (Variation ID: 1010071). An algorithm developed to predict the effect of missense changes on protein structure and function (PolyPhen-2) suggests that this variant is likely to be disruptive. Algorithms developed to predict the effect of sequence changes on RNA splicing suggest that this variant may disrupt the consensus splice site. In summary, the available evidence is currently insufficient to determine the role of this variant in disease. Therefore, it has been classified as a Variant of Uncertain Significance.

Natera, Inc.
Classification: Uncertain significance for Retinitis pigmentosa type 28. Last evaluated: 2021-01-08. Review status: no assertion criteria provided. Collection method: clinical testing. Allele origin: germline. Not counted in ClinVar's aggregate classification.